The following is an entry in ClinVar:

NC_000002.11:g.(?_97462002)_(97464855_?)del

Gene: CNNM4 (cyclin and CBS domain divalent metal cation transport mediator 4; plus strand). Cytogenetic location: 2q11.2.
Variant type: Deletion.
Identifiers: ClinVar variation 1454983 (VCV001454983.4).

ClinVar aggregate classification (germline): Pathogenic (1 of 4 stars; one submission).

Submission:

Labcorp Genetics (formerly Invitae), Labcorp
Classification: Pathogenic. Last evaluated: 2021-09-04. Review status: criteria provided, single submitter. Criteria: Invitae Variant Classification Sherloc (09022015). Collection method: clinical testing. Allele origin: germline.
Comment: For these reasons, this variant has been classified as Pathogenic. This variant has not been reported in the literature in individuals affected with CNNM4-related conditions. This variant results in the deletion of exons 2-3 and part of exon 4 (c.1403-747_1743delinsTGTA) of the CNNM4 gene. This deletion is out-of-frame, and is expected to create a premature termination codon and result in an absent or disrupted protein product. Loss-of-function variants in CNNM4 are known to be pathogenic (PMID: 19200525).

Literature cited by the submitters: PubMed 19200525.